The following is an entry in ClinVar:

NM_144701.3(IL23R):c.662C>T (p.Ser221Phe)

Gene: IL23R (interleukin 23 receptor; plus strand). Cytogenetic location: 1p31.3.
Variant type: single nucleotide variant.
Coding change: c.662C>T on transcript NM_144701.3 (MANE Select); coding-DNA position 662, C replaced by T.
Protein change: p.Ser221Phe; replaces serine 221 with phenylalanine.
Molecular consequence: missense variant.
Genome position (GRCh38, 1-based): chr1:67,206,919, C>T. VCF-style: chr1-67206919-C-T. GRCh37 (hg19) VCF-style: chr1-67672602-C-T.
Other names: short protein forms S221F.
Identifiers: ClinVar variation 2063720 (VCV002063720.4), dbSNP rs575018195, ClinGen allele CA899792.
Genomic context (GRCh38, chr1:67,206,919, plus strand): 5'-CTAGGCAAGTTTTAAACAGCCAGGTCTTTTTTTTTTTTTTTTTTTTTCTAGTGATACCTT[C>T]TGCAGCCGTCATTTCCAGGGCTGAGACTATAAATGCTACAGTGCCCAAGACCATAATTTA-3'
Protein context (NP_653302.2, residues 211-231): QIHLDDIVIP[Ser221Phe]AAVISRAETI

ClinVar aggregate classification (germline): Uncertain significance (1 of 4 stars; one submission).

Allele frequency attached by ClinVar (database versions not stated): 1000 Genomes Project 0.00060; ExAC 0.00022; gnomAD 0.00005; gnomAD exomes 0.00018.
gnomAD v4.1: 129 of 803,680 alleles (0.016%); highest among the groups gnomAD compares: East Asian, 0.5%; 1 homozygote.

Submission:

Labcorp Genetics (formerly Invitae), Labcorp
Classification: Uncertain significance. Last evaluated: 2025-01-10. Review status: criteria provided, single submitter. Criteria: Invitae Variant Classification Sherloc (09022015). Collection method: clinical testing. Allele origin: germline.
Comment: This sequence change replaces serine, which is neutral and polar, with phenylalanine, which is neutral and non-polar, at codon 221 of the IL23R protein (p.Ser221Phe). The frequency data for this variant in the population databases is considered unreliable, as metrics indicate poor data quality at this position in the gnomAD database. This variant has not been reported in the literature in individuals affected with IL23R-related conditions. ClinVar contains an entry for this variant (Variation ID: 2063720). An algorithm developed to predict the effect of missense changes on protein structure and function (PolyPhen-2) suggests that this variant is likely to be disruptive. Experimental studies have shown that this missense change does not substantially affect IL23R function (PMID: 30578351). In summary, the available evidence is currently insufficient to determine the role of this variant in disease. Therefore, it has been classified as a Variant of Uncertain Significance.

Literature cited by the submitters: PubMed 30578351.